The following is an entry in ClinVar:

ClinVar aggregate classification (germline): Uncertain significance (1 of 4 stars; one submission).

gnomAD v4.1: 14 of 1,566,628 alleles (0.00089%); highest among the groups gnomAD compares: Admixed American, 0.016%; no homozygotes.

Submission:

Labcorp Genetics (formerly Invitae), Labcorp
Classification: Uncertain significance. Last evaluated: 2025-10-09. Review status: criteria provided, single submitter. Criteria: Invitae Variant Classification Sherloc (09022015). Collection method: clinical testing. Allele origin: germline.
Comment: This sequence change replaces arginine, which is basic and polar, with cysteine, which is neutral and slightly polar, at codon 633 of the APPL1 protein (p.Arg633Cys). This variant is present in population databases (rs775644362, gnomAD 0.03%). This variant has not been reported in the literature in individuals affected with APPL1-related conditions. An algorithm developed to predict the effect of missense changes on protein structure and function (PolyPhen-2) suggests that this variant is likely to be disruptive. In summary, the available evidence is currently insufficient to determine the role of this variant in disease. Therefore, it has been classified as a Variant of Uncertain Significance.

NM_012096.3(APPL1):c.1897C>T (p.Arg633Cys)

Genes: APPL1 (adaptor protein, phosphotyrosine interacting with PH domain and leucine zipper 1; plus strand), ASB14 (ankyrin repeat and SOCS box containing 14; minus strand). Cytogenetic location: 3p14.3.
Variant type: single nucleotide variant.
Coding change: c.1897C>T on transcript NM_012096.3 (MANE Select); coding-DNA position 1897, C replaced by T.
Protein change: p.Arg633Cys; replaces arginine 633 with cysteine.
Molecular consequence: missense variant. On other transcripts: 3 prime UTR variant (2).
Genome position (GRCh38, 1-based): chr3:57,268,401, C>T. VCF-style: chr3-57268401-C-T. GRCh37 (hg19) VCF-style: chr3-57302429-C-T.
Other names: c.*1240G>A (NM_001142733.3, NM_130387.5); short protein forms R633C.
Identifiers: ClinVar variation 4753477 (VCV004753477.1).